The following is an entry in ClinVar:

NM_001035.3(RYR2):c.824G>A (p.Trp275Ter)

Gene: RYR2 (ryanodine receptor 2; plus strand). Cytogenetic location: 1q43.
Variant type: single nucleotide variant.
Coding change: c.824G>A on transcript NM_001035.3 (MANE Select); coding-DNA position 824, G replaced by A.
Protein change: p.Trp275Ter; replaces tryptophan 275 with a stop codon.
Molecular consequence: nonsense.
Genome position (GRCh38, 1-based): chr1:237,417,099, G>A. VCF-style: chr1-237417099-G-A. GRCh37 (hg19) VCF-style: chr1-237580399-G-A.
Other names: c.824G>A (NM_001035.2); short protein forms W275*.
Identifiers: ClinVar variation 1172178 (VCV001172178.12), dbSNP rs2150028964, ClinGen allele CA345383742.

ClinVar aggregate classification (germline): Uncertain significance. Review status: criteria provided, multiple submitters, no conflicts (2 of 4 stars). 4 submissions from 4 submitters: Uncertain significance (4). Last evaluated 2022-09-29.

Conditions:
Cardiomyopathy (CMYO). Also called: Cardiomyopathies. Identifiers: Orphanet 167848, MedGen C0878544, MONDO:0004994, HP:0001638. Inheritance: Various modes of inheritance.
Catecholaminergic polymorphic ventricular tachycardia 1. Also called: VENTRICULAR TACHYCARDIA, STRESS-INDUCED POLYMORPHIC 1; VENTRICULAR TACHYCARDIA, CATECHOLAMINERGIC POLYMORPHIC, 1, WITH OR WITHOUT ATRIAL DYSFUNCTION AND/OR DILATED CARDIOMYOPATHY; RYR2-Related Catecholaminergic Polymorphic Ventricular Tachycardia. Identifiers: Orphanet 3286, MedGen C1631597, MONDO:0011484, OMIM 604772.
Arrhythmogenic right ventricular dysplasia 2. Identifiers: MedGen C1832931.
Ventricular arrhythmias due to cardiac ryanodine receptor calcium release deficiency syndrome. Also called: Autosomal dominant cardiac arrhythmia (Kuhn). Identifiers: MedGen C5542154, MONDO:0020745, OMIM 115000.
Cardiovascular phenotype. Identifiers: MedGen CN230736.

Submissions (4):

Labcorp Genetics (formerly Invitae), Labcorp
Classification: Uncertain significance for Catecholaminergic polymorphic ventricular tachycardia 1. Last evaluated: 2022-09-29. Review status: criteria provided, single submitter. Criteria: Invitae Variant Classification Sherloc (09022015). Collection method: clinical testing. Allele origin: germline.
Comment: In summary, the available evidence is currently insufficient to determine the role of this variant in disease. Therefore, it has been classified as a Variant of Uncertain Significance. Algorithms developed to predict the effect of sequence changes on RNA splicing suggest that this variant may disrupt the consensus splice site. ClinVar contains an entry for this variant (Variation ID: 1172178). This variant has not been reported in the literature in individuals affected with RYR2-related conditions. This variant is not present in population databases (gnomAD no frequency). This sequence change creates a premature translational stop signal (p.Trp275*) in the RYR2 gene. It is expected to result in an absent or disrupted protein product. However, the current clinical and genetic evidence is not sufficient to establish whether loss-of-function variants in RYR2 cause disease.

Fulgent Genetics
Classification: Uncertain significance for Ventricular arrhythmias due to cardiac ryanodine receptor calcium release deficiency syndrome; Catecholaminergic polymorphic ventricular tachycardia 1. Last evaluated: 2021-11-02. Review status: criteria provided, single submitter. Criteria: ACMG Guidelines, 2015. Collection method: clinical testing. Allele origin: unknown.

Color Diagnostics, LLC DBA Color Health
Classification: Uncertain significance for Cardiomyopathy. Last evaluated: 2021-01-19. Review status: criteria provided, single submitter. Criteria: ACMG Guidelines, 2015. Collection method: clinical testing. Allele origin: germline.
Comment: This variant changes 1 nucleotide in exon 11 of the RYR2 gene, creating a premature translation stop signal. This variant is expected to result in an absent or non-functional protein product. To our knowledge, this variant has not been reported in individuals affected with cardiovascular disorders in the literature. This variant has not been identified in the general population by the Genome Aggregation Database (gnomAD). Clinical relevance of loss-of-function truncation and splice variants in the RYR2 gene is not clearly established. The available evidence is insufficient to determine the role of this variant in disease conclusively. Therefore, this variant is classified as a Variant of Uncertain Significance.

Ambry Genetics
Classification: Uncertain significance for Cardiovascular phenotype. Last evaluated: 2021-01-11. Review status: criteria provided, single submitter. Criteria: Ambry Variant Classification Scheme 2023. Collection method: clinical testing. Allele origin: germline.
Comment: The p.W275* variant (also known as c.824G>A), located in coding exon 11 of the RYR2 gene, results from a G to A substitution at nucleotide position 824. This changes the amino acid from a tryptophan to a stop codon within coding exon 11. This alteration is expected to result in premature protein truncation or nonsense-mediated mRNA decay. However, loss of function of RYR2 has not been clearly established as a mechanism of disease. Since supporting evidence is limited at this time, the clinical significance of this alteration remains unclear.